The following is an entry in ClinVar:

ClinVar aggregate classification (germline): Uncertain significance (1 of 4 stars; one submission).

Conditions:
Congenital contractural arachnodactyly (CCA). Also called: Arthrogryposis, distal, type 9; BEALS SYNDROME; Beals-Hecht syndrome. Identifiers: Orphanet 115, MedGen C0220668, MONDO:0007363, OMIM 121050.

gnomAD v4.1: 2 of 1,613,752 alleles (0.00012%); highest among the groups gnomAD compares: Non-Finnish European, 0.00017%; no homozygotes.

Submission:

Labcorp Genetics (formerly Invitae), Labcorp
Classification: Uncertain significance for Congenital contractural arachnodactyly. Last evaluated: 2024-12-23. Review status: criteria provided, single submitter. Criteria: Invitae Variant Classification Sherloc (09022015). Collection method: clinical testing. Allele origin: germline.
Comment: This sequence change replaces asparagine, which is neutral and polar, with aspartic acid, which is acidic and polar, at codon 2660 of the FBN2 protein (p.Asn2660Asp). This variant is not present in population databases (gnomAD no frequency). This variant has not been reported in the literature in individuals affected with FBN2-related conditions. Invitae Evidence Modeling of protein sequence and biophysical properties (such as structural, functional, and spatial information, amino acid conservation, physicochemical variation, residue mobility, and thermodynamic stability) indicates that this missense variant is not expected to disrupt FBN2 protein function with a negative predictive value of 80%. In summary, the available evidence is currently insufficient to determine the role of this variant in disease. Therefore, it has been classified as a Variant of Uncertain Significance.

NM_001999.4(FBN2):c.7978A>G (p.Asn2660Asp)

Gene: FBN2 (fibrillin 2; minus strand). Cytogenetic location: 5q23.3.
Variant type: single nucleotide variant.
Coding change: c.7978A>G on transcript NM_001999.4 (MANE Select); coding-DNA position 7978, A replaced by G.
Protein change: p.Asn2660Asp; replaces asparagine 2660 with aspartic acid.
Molecular consequence: missense variant.
Genome position (GRCh38, 1-based): chr5:128,263,639, T>C on the plus strand (A>G on the coding strand, the complement: FBN2 is on the minus strand). VCF-style: chr5-128263639-T-C. GRCh37 (hg19) VCF-style: chr5-127599331-T-C.
Other names: short protein forms N2660D.
Identifiers: ClinVar variation 3625974 (VCV003625974.2).